The following is an entry in ClinVar:

NM_002109.6(HARS1):c.1191del (p.Glu398fs)

Gene: HARS1 (histidyl-tRNA synthetase 1; minus strand). Cytogenetic location: 5q31.3.
Variant type: Deletion.
Coding change: c.1191del on transcript NM_002109.6 (MANE Select); coding-DNA position 1191, one base deleted (A; older notation c.1191delA).
Protein change: p.Glu398fs; shifts the reading frame from glutamic acid 398.
Molecular consequence: frameshift variant.
Genome position (GRCh38, 1-based): chr5:140,676,657, T deleted on the plus strand (A on the coding strand, the reverse complement: HARS1 is on the minus strand). VCF-style (leftmost placement, unchanged base first): chr5-140676656-CT-C. GRCh37 (hg19) VCF-style: chr5-140056241-CT-C.
Other names: c.1104del, p.Glu369fs (NM_001289094.2); c.1071del, p.Glu358fs (NM_001258040.3); c.1131del, p.Glu378fs (NM_001258041.3); c.1011del, p.Glu338fs (NM_001258042.3); c.969del, p.Glu324fs (NM_001289092.2); c.849del, p.Glu284fs (NM_001289093.2); short protein forms E378fs, E324fs, E338fs, E358fs, E398fs, E284fs, E369fs.
Identifiers: ClinVar variation 3667425 (VCV003667425.2).

ClinVar aggregate classification (germline): Uncertain significance (1 of 4 stars; one submission).

Conditions:
Usher syndrome type 3B. Also called: USHER SYNDROME, TYPE IIIB. Identifiers: MedGen C3281066, MONDO:0013788, OMIM 614504.

Submission:

Labcorp Genetics (formerly Invitae), Labcorp
Classification: Uncertain significance for Usher syndrome type 3B. Last evaluated: 2024-09-09. Review status: criteria provided, single submitter. Criteria: Invitae Variant Classification Sherloc (09022015). Collection method: clinical testing. Allele origin: germline.
Comment: This sequence change creates a premature translational stop signal (p.Glu398Argfs*24) in the HARS gene. It is expected to result in an absent or disrupted protein product. However, the current clinical and genetic evidence is not sufficient to establish whether loss-of-function variants in HARS cause disease. This variant is not present in population databases (gnomAD no frequency). This variant has not been reported in the literature in individuals affected with HARS-related conditions. In summary, the available evidence is currently insufficient to determine the role of this variant in disease. Therefore, it has been classified as a Variant of Uncertain Significance.